The following is an entry in ClinVar:

ClinVar aggregate classification (germline): Uncertain significance (1 of 4 stars; one submission).

Conditions:
MHC class II deficiency. Also called: BLS, TYPE II; Bare lymphocyte syndrome 2. Identifiers: Orphanet 572, MedGen C5447452, MONDO:0008855.

Allele frequency attached by ClinVar (database versions not stated): gnomAD 0.00005 and 0.00006; TOPMed 0.00006; gnomAD exomes 0.00010; ExAC 0.00011.
gnomAD v4.1: 141 of 1,613,716 alleles (0.0087%); highest among the groups gnomAD compares: East Asian, 0.016%; no homozygotes.

Submission:

Labcorp Genetics (formerly Invitae), Labcorp
Classification: Uncertain significance for MHC class II deficiency. Last evaluated: 2024-01-18. Review status: criteria provided, single submitter. Criteria: Invitae Variant Classification Sherloc (09022015). Collection method: clinical testing. Allele origin: germline.
Comment: This sequence change replaces threonine, which is neutral and polar, with methionine, which is neutral and non-polar, at codon 940 of the CIITA protein (p.Thr940Met). This variant is present in population databases (rs764478189, gnomAD 0.04%). This variant has not been reported in the literature in individuals affected with CIITA-related conditions. ClinVar contains an entry for this variant (Variation ID: 843244). Algorithms developed to predict the effect of missense changes on protein structure and function output the following: SIFT: "Not Available"; PolyPhen-2: "Benign"; Align-GVGD: "Not Available". The methionine amino acid residue is found in multiple mammalian species, which suggests that this missense change does not adversely affect protein function. In summary, the available evidence is currently insufficient to determine the role of this variant in disease. Therefore, it has been classified as a Variant of Uncertain Significance.

NM_000246.4(CIITA):c.2819C>T (p.Thr940Met)

Gene: CIITA (class II major histocompatibility complex transactivator; plus strand). Cytogenetic location: 16p13.13.
Variant type: single nucleotide variant.
Coding change: c.2819C>T on transcript NM_000246.4 (MANE Select); coding-DNA position 2819, C replaced by T.
Protein change: p.Thr940Met; replaces threonine 940 with methionine.
Molecular consequence: missense variant. On other transcripts: non-coding transcript variant (1).
Genome position (GRCh38, 1-based): chr16:10,910,190, C>T. VCF-style: chr16-10910190-C-T. GRCh37 (hg19) VCF-style: chr16-11004047-C-T.
Other names: c.2822C>T, p.Thr941Met (NM_001286402.1, NM_001379332.1); c.1067C>T, p.Thr356Met (NM_001286403.2); c.2675C>T, p.Thr892Met (NM_001379330.1); c.2672C>T, p.Thr891Met (NM_001379331.1); c.2819C>T, p.Thr940Met (NM_001379333.1); c.2750C>T, p.Thr917Met (NM_001379334.1); short protein forms T940M, T356M, T941M, T891M, T892M, T917M.
Identifiers: ClinVar variation 843244 (VCV000843244.3), dbSNP rs764478189, ClinGen allele CA7900519.